The following is an entry in ClinVar:

NM_004655.4(AXIN2):c.1826C>T (p.Pro609Leu)

Gene: AXIN2 (axin 2; minus strand). Cytogenetic location: 17q24.1.
Variant type: single nucleotide variant.
Coding change: c.1826C>T on transcript NM_004655.4 (MANE Select); coding-DNA position 1826, C replaced by T.
Protein change: p.Pro609Leu; replaces proline 609 with leucine.
Molecular consequence: missense variant. On other transcripts: intron variant (1).
Genome position (GRCh38, 1-based): chr17:65,536,950, G>A on the plus strand (C>T on the coding strand, the complement: AXIN2 is on the minus strand). VCF-style: chr17-65536950-G-A. GRCh37 (hg19) VCF-style: chr17-63533068-G-A.
Other names: c.1826C>T (LRG_296t1); c.1712+374C>T (NM_001363813.1); short protein forms P609L.
Identifiers: ClinVar variation 408833 (VCV000408833.21), dbSNP rs370618491, ClinGen allele CA8718519.

ClinVar aggregate classification (germline): Conflicting classifications of pathogenicity. Review status: criteria provided, conflicting classifications (1 of 4 stars). 4 submissions from 4 submitters: Uncertain significance (3); Likely benign (1). Last evaluated 2026-05-18.

Conditions:
AXIN2-related disorder.
Hereditary cancer-predisposing syndrome. Also called: Neoplastic Syndromes, Hereditary; Tumor predisposition; Hereditary Cancer Syndrome; Hereditary neoplastic syndrome. Identifiers: Orphanet 140162, MedGen C0027672, MeSH D009386, MONDO:0015356.
Oligodontia-cancer predisposition syndrome. Also called: TOOTH AGENESIS-COLORECTAL CANCER SYNDROME. Identifiers: Orphanet 300576, MedGen C1837750, MONDO:0012075, OMIM 608615. Disease mechanism: loss of function.

Allele frequency attached by ClinVar (database versions not stated): gnomAD exomes 0.00002 and 0.00003; TOPMed 0.00003; ExAC 0.00004; gnomAD 0.00004; ESP Exome Variant Server 0.00008.
gnomAD v4.1: 49 of 1,613,356 alleles (0.003%); highest among the groups gnomAD compares: Middle Eastern, 0.035%; no homozygotes.

Submissions (4):

PreventionGenetics, part of Exact Sciences
Classification: Uncertain significance for AXIN2-related condition. Last evaluated: 2026-05-18. Review status: criteria provided, single submitter. Criteria: ACMG Guidelines, 2015. Collection method: clinical testing. Allele origin: germline.
Comment: The AXIN2 c.1826C>T variant is predicted to result in the amino acid substitution p.Pro609Leu. To our knowledge, this variant has not been reported in the literature. This variant is reported in 0.0098% of alleles in individuals of South Asian descent in gnomAD, and has conflicting interpretations in ClinVar, ranging from uncertain to likely benign (Variation ID: 408833). At this time, the clinical significance of this variant is uncertain due to the absence of conclusive functional and genetic evidence.

Labcorp Genetics (formerly Invitae), Labcorp
Classification: Uncertain significance for Oligodontia-cancer predisposition syndrome. Last evaluated: 2026-01-26. Review status: criteria provided, single submitter. Criteria: Invitae Variant Classification Sherloc (09022015). Collection method: clinical testing. Allele origin: germline.
Comment: This sequence change replaces proline, which is neutral and non-polar, with leucine, which is neutral and non-polar, at codon 609 of the AXIN2 protein (p.Pro609Leu). This variant is present in population databases (rs370618491, gnomAD 0.01%). This variant has not been reported in the literature in individuals affected with AXIN2-related conditions. ClinVar contains an entry for this variant (Variation ID: 408833). An algorithm developed to predict the effect of missense changes on protein structure and function (PolyPhen-2) suggests that this variant is likely to be disruptive. In summary, the available evidence is currently insufficient to determine the role of this variant in disease. Therefore, it has been classified as a Variant of Uncertain Significance.

Ambry Genetics
Classification: Likely benign for Hereditary cancer-predisposing syndrome. Last evaluated: 2025-01-30. Review status: criteria provided, single submitter. Criteria: Ambry Variant Classification Scheme 2023. Collection method: clinical testing. Allele origin: germline.

GeneDx
Classification: Uncertain significance. Last evaluated: 2023-06-09. Review status: criteria provided, single submitter. Criteria: GeneDx Variant Classification Process June 2021. Collection method: clinical testing. Allele origin: germline. Affected: yes.
Comment: In silico analysis supports that this missense variant has a deleterious effect on protein structure/function; Has not been previously published as pathogenic or benign to our knowledge; This variant is associated with the following publications: (PMID: 27535533)